The following is an entry in ClinVar:

NM_172362.3(KCNH1):c.2962G>T (p.Ala988Ser)

Gene: KCNH1 (potassium voltage-gated channel subfamily H member 1; minus strand). Cytogenetic location: 1q32.2.
Variant type: single nucleotide variant.
Coding change: c.2962G>T on transcript NM_172362.3 (MANE Select); coding-DNA position 2962, G replaced by T.
Protein change: p.Ala988Ser; replaces alanine 988 with serine.
Molecular consequence: missense variant.
Genome position (GRCh38, 1-based): chr1:210,683,289, C>A on the plus strand (G>T on the coding strand, the complement: KCNH1 is on the minus strand). VCF-style: chr1-210683289-C-A. GRCh37 (hg19) VCF-style: chr1-210856631-C-A.
Other names: c.2881G>T, p.Ala961Ser (NM_002238.4); short protein forms A961S, A988S.
Identifiers: ClinVar variation 710791 (VCV000710791.14), dbSNP rs371262198, ClinGen allele CA1379551.
Genomic context (GRCh38, chr1:210,683,289, plus strand): 5'-TGACGGCAGGGTTGGAGGTATCTGTCTCTGACTTTTTTTTTAAATAGACCTCTCAGCTGG[C>A]TCCAAAAATGTCTCTCTCTGATTCTGGGGACTGTGGCCTCGATATTTCAAACAACTCCTG-3'
Protein context (NP_758872.1, residues 978-989): SPESERDIFG[Ala988Ser]S

ClinVar aggregate classification (germline): Benign/Likely benign. Review status: criteria provided, multiple submitters, no conflicts (2 of 4 stars). 4 submissions from 4 submitters: Benign (1); Likely benign (1). 2 of the submissions do not count toward it. Last evaluated 2025-11-29.

Conditions:
KCNH1-related disorder. Also called: KCNH1-related disorders; KCNH1-related condition.

Allele frequency attached by ClinVar (database versions not stated): TOPMed 0.00007; ESP Exome Variant Server 0.00008.
gnomAD v4.1: 196 of 1,612,726 alleles (0.012%); highest among the groups gnomAD compares: Middle Eastern, 0.13%; 3 homozygotes.

Submissions (4):

Labcorp Genetics (formerly Invitae), Labcorp
Classification: Likely benign. Last evaluated: 2025-11-29. Review status: criteria provided, single submitter. Criteria: Invitae Variant Classification Sherloc (09022015). Collection method: clinical testing. Allele origin: germline.

GeneDx
Classification: Benign. Last evaluated: 2020-10-05. Review status: criteria provided, single submitter. Criteria: GeneDx Variant Classification Process June 2021. Collection method: clinical testing. Allele origin: germline. Affected: yes.

PreventionGenetics, part of Exact Sciences
Classification: Likely benign for KCNH1-related condition. Last evaluated: 2022-05-23. Review status: no assertion criteria provided. Collection method: clinical testing. Allele origin: germline. Not counted in ClinVar's aggregate classification.
Comment: This variant is classified as likely benign based on ACMG/AMP sequence variant interpretation guidelines (Richards et al. 2015 PMID: 25741868, with internal and published modifications).

Department of Pathology and Laboratory Medicine, Sinai Health System
Classification: Uncertain significance. Review status: no assertion criteria provided. Collection method: clinical testing. Allele origin: unknown. Affected: yes. Study: The Canadian Open Genetics Repository (COGR). Not counted in ClinVar's aggregate classification.